The following is an entry in ClinVar:

NM_012330.4(KAT6B):c.801C>A (p.Ile267=)

Gene: KAT6B (lysine acetyltransferase 6B; plus strand). Cytogenetic location: 10q22.2.
Variant type: single nucleotide variant.
Coding change: c.801C>A on transcript NM_012330.4 (MANE Select); coding-DNA position 801, C replaced by A.
Protein change: p.Ile267=; no amino-acid change (isoleucine 267 retained).
Molecular consequence: synonymous variant. On other transcripts: intron variant (2).
Genome position (GRCh38, 1-based): chr10:74,969,730, C>A. VCF-style: chr10-74969730-C-A. GRCh37 (hg19) VCF-style: chr10-76729488-C-A.
Other names: c.801C>A, p.Ile267= (NM_001256468.2, NM_001256469.2, NM_001370132.1 and 10 more transcripts); c.193-9494C>A (NM_001370134.1); c.192+9652C>A (NM_001370135.1).
Identifiers: ClinVar variation 2053670 (VCV002053670.4), dbSNP rs1459841520, ClinGen allele CA470172688.

ClinVar aggregate classification (germline): Uncertain significance (1 of 4 stars; one submission).

Conditions:
Genitopatellar syndrome (GTPTS). Also called: Genitopatellar syndrome (GPS); ABSENT PATELLAE, SCROTAL HYPOPLASIA, RENAL ANOMALIES, FACIAL DYSMORPHISM, AND MENTAL RETARDATION. Identifiers: Orphanet 85201, MedGen C1853566, MONDO:0011640, OMIM 606170.

Submission:

Labcorp Genetics (formerly Invitae), Labcorp
Classification: Uncertain significance for Genitopatellar syndrome. Last evaluated: 2022-04-15. Review status: criteria provided, single submitter. Criteria: Invitae Variant Classification Sherloc (09022015). Collection method: clinical testing. Allele origin: germline.
Comment: This sequence change affects codon 267 of the KAT6B mRNA. It is a 'silent' change, meaning that it does not change the encoded amino acid sequence of the KAT6B protein. In summary, the available evidence is currently insufficient to determine the role of this variant in disease. Therefore, it has been classified as a Variant of Uncertain Significance. Algorithms developed to predict the effect of sequence changes on RNA splicing suggest that this variant may disrupt the consensus splice site. This variant has not been reported in the literature in individuals affected with KAT6B-related conditions. This variant is not present in population databases (gnomAD no frequency).